The following is an entry in ClinVar:

ClinVar aggregate classification (germline): Uncertain significance (1 of 4 stars; one submission).

Allele frequency attached by ClinVar (database versions not stated): gnomAD 0.00001; gnomAD exomes 0.00001; TOPMed 0.00001.

Submission:

Labcorp Genetics (formerly Invitae), Labcorp
Classification: Uncertain significance. Last evaluated: 2021-04-25. Review status: criteria provided, single submitter. Criteria: Invitae Variant Classification Sherloc (09022015). Collection method: clinical testing. Allele origin: germline.
Comment: In summary, the available evidence is currently insufficient to determine the role of this variant in disease. Therefore, it has been classified as a Variant of Uncertain Significance. Algorithms developed to predict the effect of missense changes on protein structure and function are either unavailable or do not agree on the potential impact of this missense change (SIFT: "Tolerated"; PolyPhen-2: "Probably Damaging"; Align-GVGD: "Class C0"). This variant has not been reported in the literature in individuals with NUBPL-related conditions. This variant is not present in population databases (ExAC no frequency). This sequence change replaces valine with isoleucine at codon 228 of the NUBPL protein (p.Val228Ile). The valine residue is moderately conserved and there is a small physicochemical difference between valine and isoleucine.

NM_025152.3(NUBPL):c.682G>A (p.Val228Ile)

Gene: NUBPL (NUBP iron-sulfur cluster assembly factor, mitochondrial; plus strand). Cytogenetic location: 14q12.
Variant type: single nucleotide variant.
Coding change: c.682G>A on transcript NM_025152.3 (MANE Select); coding-DNA position 682, G replaced by A.
Protein change: p.Val228Ile; replaces valine 228 with isoleucine.
Molecular consequence: missense variant. On other transcripts: non-coding transcript variant (1).
Genome position (GRCh38, 1-based): chr14:31,826,703, G>A. VCF-style: chr14-31826703-G-A. GRCh37 (hg19) VCF-style: chr14-32295909-G-A.
Other names: c.394G>A, p.Val132Ile (NM_001201573.2); c.133G>A, p.Val45Ile (NM_001201574.2); short protein forms V132I, V228I, V45I.
Identifiers: ClinVar variation 1429015 (VCV001429015.8), dbSNP rs1009344176, ClinGen allele CA259019399.